The following is an entry in ClinVar:

NM_002691.4(POLD1):c.2461C>T (p.His821Tyr)

Gene: POLD1 (DNA polymerase delta 1, catalytic subunit; plus strand). Cytogenetic location: 19q13.33.
Variant type: single nucleotide variant.
Coding change: c.2461C>T on transcript NM_002691.4 (MANE Select); coding-DNA position 2461, C replaced by T.
Protein change: p.His821Tyr; replaces histidine 821 with tyrosine.
Molecular consequence: missense variant. On other transcripts: non-coding transcript variant (1).
Genome position (GRCh38, 1-based): chr19:50,414,887, C>T. VCF-style: chr19-50414887-C-T. GRCh37 (hg19) VCF-style: chr19-50918144-C-T.
Other names: c.2461C>T, p.His821Tyr (NM_001256849.1); c.2539C>T, p.His847Tyr (NM_001308632.1); short protein forms H847Y, H821Y.
Identifiers: ClinVar variation 1038276 (VCV001038276.11), dbSNP rs2039218202, ClinGen allele CA406984808.

ClinVar aggregate classification (germline): Uncertain significance. Review status: criteria provided, multiple submitters, no conflicts (2 of 4 stars). 2 submissions from 2 submitters: Uncertain significance (2). Last evaluated 2026-01-14.

Conditions:
POLD1-related polyposis and colorectal cancer syndrome (CRCS10). Also called: Colorectal cancer 10; COLORECTAL CANCER, SUSCEPTIBILITY TO, ON CHROMOSOME 19q; Colorectal cancer, susceptibility to, 10. Identifiers: Orphanet 220460, MedGen C2675481, MONDO:0012953, OMIM 612591.
Hereditary cancer-predisposing syndrome. Also called: Tumor predisposition; Hereditary Cancer Syndrome; Hereditary neoplastic syndrome; Neoplastic Syndromes, Hereditary. Identifiers: Orphanet 140162, MedGen C0027672, MeSH D009386, MONDO:0015356.

Allele frequency attached by ClinVar (database versions not stated): gnomAD exomes below 0.00001.
gnomAD v4.1: 1 of 1,609,282 alleles (0.000062%); highest among the groups gnomAD compares: Non-Finnish European, 0.000085%; no homozygotes.

Submissions (2):

Labcorp Genetics (formerly Invitae), Labcorp
Classification: Uncertain significance for POLD1-related polyposis and colorectal cancer syndrome. Last evaluated: 2026-01-14. Review status: criteria provided, single submitter. Criteria: Invitae Variant Classification Sherloc (09022015). Collection method: clinical testing. Allele origin: germline.
Comment: This sequence change replaces histidine, which is basic and polar, with tyrosine, which is neutral and polar, at codon 821 of the POLD1 protein (p.His821Tyr). This variant is not present in population databases (gnomAD no frequency). This variant has not been reported in the literature in individuals affected with POLD1-related conditions. ClinVar contains an entry for this variant (Variation ID: 1038276). Invitae Evidence Modeling of protein sequence and biophysical properties (such as structural, functional, and spatial information, amino acid conservation, physicochemical variation, residue mobility, and thermodynamic stability) indicates that this missense variant is not expected to disrupt POLD1 protein function with a negative predictive value of 80%. In summary, the available evidence is currently insufficient to determine the role of this variant in disease. Therefore, it has been classified as a Variant of Uncertain Significance.

Ambry Genetics
Classification: Uncertain significance for Hereditary cancer-predisposing syndrome. Last evaluated: 2022-04-02. Review status: criteria provided, single submitter. Criteria: Ambry Variant Classification Scheme 2023. Collection method: clinical testing. Allele origin: germline.
Comment: The p.H821Y variant (also known as c.2461C>T), located in coding exon 19 of the POLD1 gene, results from a C to T substitution at nucleotide position 2461. The histidine at codon 821 is replaced by tyrosine, an amino acid with similar properties. This amino acid position is conserved. In addition, this alteration is predicted to be tolerated by in silico analysis. Since supporting evidence is limited at this time, the clinical significance of this alteration remains unclear.